The following is an entry in ClinVar:

ClinVar aggregate classification (germline): Uncertain significance (1 of 4 stars; one submission).

Conditions:
Joubert syndrome. Also called: CEREBELLOPARENCHYMAL DISORDER IV; JOUBERT-BOLTSHAUSER SYNDROME; Familial aplasia of the vermis. Identifiers: Orphanet 475, MedGen C5979921, MONDO:0018772.

Allele frequency attached by ClinVar (database versions not stated): gnomAD exomes below 0.00001.
gnomAD v4.1: 1 of 1,608,130 alleles (0.000062%); highest among the groups gnomAD compares: Admixed American, 0.0017%; no homozygotes.

Submission:

Labcorp Genetics (formerly Invitae), Labcorp
Classification: Uncertain significance for Joubert syndrome. Last evaluated: 2022-11-22. Review status: criteria provided, single submitter. Criteria: Invitae Variant Classification Sherloc (09022015). Collection method: clinical testing. Allele origin: germline.
Comment: ClinVar contains an entry for this variant (Variation ID: 1417259). This variant has not been reported in the literature in individuals affected with AHI1-related conditions. This variant is present in population databases (no rsID available, gnomAD 0.003%). This sequence change replaces serine, which is neutral and polar, with leucine, which is neutral and non-polar, at codon 284 of the AHI1 protein (p.Ser284Leu). Advanced modeling of protein sequence and biophysical properties (such as structural, functional, and spatial information, amino acid conservation, physicochemical variation, residue mobility, and thermodynamic stability) performed at Invitae indicates that this missense variant is not expected to disrupt AHI1 protein function. In summary, the available evidence is currently insufficient to determine the role of this variant in disease. Therefore, it has been classified as a Variant of Uncertain Significance.

NM_001134831.2(AHI1):c.851C>T (p.Ser284Leu)

Gene: AHI1 (Abelson helper integration site 1; minus strand). Cytogenetic location: 6q23.3.
Variant type: single nucleotide variant.
Coding change: c.851C>T on transcript NM_001134831.2 (MANE Select); coding-DNA position 851, C replaced by T.
Protein change: p.Ser284Leu; replaces serine 284 with leucine.
Molecular consequence: missense variant.
Genome position (GRCh38, 1-based): chr6:135,463,205, G>A on the plus strand (C>T on the coding strand, the complement: AHI1 is on the minus strand). VCF-style: chr6-135463205-G-A. GRCh37 (hg19) VCF-style: chr6-135784343-G-A.
Other names: c.851C>T, p.Ser284Leu (NM_001134830.2, NM_001134832.2, NM_001350503.2 and 2 more transcripts); short protein forms S284L.
Identifiers: ClinVar variation 1417259 (VCV001417259.6), dbSNP rs1481234264, ClinGen allele CA365749123.
Genomic context (GRCh38, chr6:135,463,205, plus strand): 5'-GTTTTTTTTGGTTTAGGTTTTGTATCATCTTGCATGCTGTCTTCTGTGCTTTGTTCCATT[G>A]AGCTTATTTCATCATCTTGATGAGAATCTGAAGAAACTGATCTAACTGAAGATTCTTTCT-3'
Protein context (NP_001128303.1, residues 274-294): SDSHQDDEIS[Ser284Leu]MEQSTEDSMQ